The following is an entry in ClinVar:

ClinVar aggregate classification (germline): Conflicting classifications of pathogenicity. Review status: criteria provided, conflicting classifications (1 of 4 stars). 3 submissions from 2 submitters: Uncertain significance (1); Likely benign (2). Last evaluated 2025-01-26.

Conditions:
Supravalvar aortic stenosis (SVAS). Also called: Supravalvar aortic stenosis, Eisenberg type. Identifiers: Orphanet 3193, MedGen C0003499, MONDO:0008504, OMIM 185500, HP:0004381.
Cutis laxa, autosomal dominant 1 (ADCL1). Also called: ELN-Related Cutis Laxa. Identifiers: Orphanet 90348, MedGen C3276539, MONDO:0007411, OMIM 123700. Disease mechanism: Dominant Negative.

Allele frequency attached by ClinVar (database versions not stated): gnomAD 0.00001; TOPMed 0.00001; ExAC 0.00002; gnomAD exomes 0.00002; ESP Exome Variant Server 0.00008.
gnomAD v4.1: 24 of 1,613,452 alleles (0.0015%); highest among the groups gnomAD compares: Admixed American, 0.005%; no homozygotes.

Submissions (3):

Labcorp Genetics (formerly Invitae), Labcorp
Classification: Likely benign for Supravalvar aortic stenosis. Last evaluated: 2025-01-26. Review status: criteria provided, single submitter. Criteria: Invitae Variant Classification Sherloc (09022015). Collection method: clinical testing. Allele origin: germline.

Illumina Laboratory Services, Illumina
Classification: Uncertain significance for Supravalvar aortic stenosis. Last evaluated: 2018-01-13. Review status: criteria provided, single submitter. Criteria: ICSL Variant Classification Criteria 13 December 2019. Collection method: clinical testing. Allele origin: germline.

Illumina Laboratory Services, Illumina
Classification: Likely benign for Cutis laxa, autosomal dominant 1. Last evaluated: 2018-01-13. Review status: criteria provided, single submitter. Criteria: ICSL Variant Classification Criteria 13 December 2019. Collection method: clinical testing. Allele origin: germline.
Comment: This variant was observed in the ICSL laboratory as part of a predisposition screen in an ostensibly healthy population. It had not been previously curated by ICSL or reported in the Human Gene Mutation Database (HGMD: prior to June 1st, 2018), and was therefore a candidate for classification through an automated scoring system. Utilizing variant allele frequency, disease prevalence and penetrance estimates, and inheritance mode, an automated score was calculated to assess if this variant is too frequent to cause the disease. Based on the score and internal cut-off values, a variant classified as likely benign is not then subjected to further curation. The score for this variant resulted in a classification of likely benign for this disease.

NM_000501.4(ELN):c.1281C>T (p.Pro427=)

Gene: ELN (elastin; plus strand). Cytogenetic location: 7q11.23.
Variant type: single nucleotide variant.
Coding change: c.1281C>T on transcript NM_000501.4 (MANE Select); coding-DNA position 1281, C replaced by T.
Protein change: p.Pro427=; no amino-acid change (proline 427 retained).
Molecular consequence: synonymous variant. On other transcripts: intron variant (2).
Genome position (GRCh38, 1-based): chr7:74,056,401, C>T. VCF-style: chr7-74056401-C-T. GRCh37 (hg19) VCF-style: chr7-73470731-C-T.
Other names: c.1251C>T, p.Pro417= (NM_001081752.3, NM_001278917.2); c.1296C>T, p.Pro432= (NM_001081753.3, NM_001081754.3); c.1281C>T, p.Pro427= (NM_001081755.3, NM_001278912.2, NM_001278915.2 and 1 more transcripts); c.1266C>T, p.Pro422= (NM_001278914.2); c.1239C>T, p.Pro413= (NM_001278916.2); c.1129+44C>T (NM_001278913.2); c.1105+44C>T (NM_001278918.2).
Identifiers: ClinVar variation 360651 (VCV000360651.13), dbSNP rs376496267, ClinGen allele CA4292915.